The following is an entry in ClinVar:

NM_005045.4(RELN):c.2292C>G (p.Ser764Arg)

Gene: RELN (reelin; minus strand). Cytogenetic location: 7q22.1.
Variant type: single nucleotide variant.
Coding change: c.2292C>G on transcript NM_005045.4 (MANE Select); coding-DNA position 2292, C replaced by G.
Protein change: p.Ser764Arg; replaces serine 764 with arginine.
Molecular consequence: missense variant.
Genome position (GRCh38, 1-based): chr7:103,636,246, G>C on the plus strand (C>G on the coding strand, the complement: RELN is on the minus strand). VCF-style: chr7-103636246-G-C. GRCh37 (hg19) VCF-style: chr7-103276693-G-C.
Other names: c.2292C>G, p.Ser764Arg (NM_173054.3); short protein forms S764R.
Identifiers: ClinVar variation 4782855 (VCV004782855.1).

ClinVar aggregate classification (germline): Uncertain significance (1 of 4 stars; one submission).

Conditions:
Norman-Roberts syndrome (LIS2). Also called: Lissencephaly 2 (Norman-Roberts type). Identifiers: Orphanet 89844, MedGen C0796089, MONDO:0009760, OMIM 257320.
Familial temporal lobe epilepsy 7. Identifiers: Orphanet 101046, MedGen C4225327, MONDO:0014639, OMIM 616436.

Submission:

Labcorp Genetics (formerly Invitae), Labcorp
Classification: Uncertain significance for Familial temporal lobe epilepsy 7; Norman-Roberts syndrome. Last evaluated: 2026-01-04. Review status: criteria provided, single submitter. Criteria: Invitae Variant Classification Sherloc (09022015). Collection method: clinical testing. Allele origin: germline.
Comment: This sequence change replaces serine, which is neutral and polar, with arginine, which is basic and polar, at codon 764 of the RELN protein (p.Ser764Arg). This variant is not present in population databases (gnomAD no frequency). This variant has not been reported in the literature in individuals affected with RELN-related conditions. Invitae Evidence Modeling of protein sequence and biophysical properties (such as structural, functional, and spatial information, amino acid conservation, physicochemical variation, residue mobility, and thermodynamic stability) indicates that this missense variant is not expected to disrupt RELN protein function with a negative predictive value of 80%. In summary, the available evidence is currently insufficient to determine the role of this variant in disease. Therefore, it has been classified as a Variant of Uncertain Significance.